The following is an entry in ClinVar:

ClinVar aggregate classification (germline): Likely pathogenic. Review status: criteria provided, single submitter (1 of 4 stars). 2 submissions from 2 submitters: Likely pathogenic (1). 1 of the submissions does not count toward it. Last evaluated 2018-12-04.

Conditions:
Upshaw-Schulman syndrome (TTP). Also called: Congenital thrombotic thrombocytopenic purpura; THROMBOTIC THROMBOCYTOPENIC PURPURA, HEREDITARY. Identifiers: Orphanet 93583, MedGen C1268935, MONDO:0010122, OMIM 274150.

gnomAD v4.1: 11 of 1,613,856 alleles (0.00068%); highest among the groups gnomAD compares: Non-Finnish European, 0.00085%; no homozygotes.

Submissions (2):

Illumina Laboratory Services, Illumina
Classification: Likely pathogenic for Upshaw-Schulman syndrome. Last evaluated: 2018-12-04. Review status: criteria provided, single submitter. Criteria: ICSL Variant Classification Criteria 09 May 2019. Collection method: clinical testing. Allele origin: germline.
Comment: The ADAMTS13 c.2017A>T (p.Ile673Phe) missense variant has been reported in a compound heterozygous state in two patients with thrombotic thrombocytopenia purpura who had less than three percent of normal ADAMTS13 enzyme activity in human plasma and in one reportedly healthy individual with low (below 47% of normal) ADAMTS13 enzyme activity, where zygosity information is not provided (Matsumoto et al. 2004; Kokame et al. 2011). This variant was absent from 96 controls and is not reported in the 1000 Genomes Project, the Exome Variant Server, or the Exome Aggregation Consortium. The p.Ile673Phe variant protein was shown to be produced in normal amounts, but expression analysis in HeLa cells demonstrated absent secretion from cells, as is normal for the wild type protein (Matsumoto et al. 2004). Based on the evidence, the p.Ile673Phe variant is classified as likely pathogenic for familial thrombotic thrombocytopenia purpura. This variant was observed by ICSL as part of a predisposition screen in an ostensibly healthy population.

UniProtKB/Swiss-Prot
No classification provided. Review status: no classification provided. Collection method: not provided. Allele origin: not provided. Not counted in ClinVar's aggregate classification.

Literature cited by the submitters: PubMed 14563640 (cited by Illumina Laboratory Services, Illumina); PubMed 21676167 (cited by Illumina Laboratory Services, Illumina).

NM_139027.6(ADAMTS13):c.2017A>T (p.Ile673Phe)

Gene: ADAMTS13 (ADAM metallopeptidase with thrombospondin type 1 motif 13; plus strand). Cytogenetic location: 9q34.2.
Variant type: single nucleotide variant.
Coding change: c.2017A>T on transcript NM_139027.6 (MANE Select); coding-DNA position 2017, A replaced by T.
Protein change: p.Ile673Phe; replaces isoleucine 673 with phenylalanine.
Molecular consequence: missense variant.
Genome position (GRCh38, 1-based): chr9:133,442,447, A>T. VCF-style: chr9-133442447-A-T. GRCh37 (hg19) VCF-style: chr9-136307568-A-T.
Other names: c.2017A>T, p.Ile673Phe (NM_139025.5); c.1924A>T, p.Ile642Phe (NM_139026.6); short protein forms I673F, I642F.
Identifiers: ClinVar variation 68809 (VCV000068809.5), dbSNP rs281875307, ClinGen allele CA220004.
Genomic context (GRCh38, chr9:133,442,447, plus strand): 5'-CTTTGTCTGCAGGTTTACAGGCGGTATGGCGAGGAGTATGGCAACCTCACCCGCCCAGAC[A>T]TCACCTTCACCTACTTCCAGCCTAAGCCACGGCAGGCCTGGGTGTGGGCCGCTGTGCGTG-3'
Protein context (NP_620596.2, residues 663-683): EEYGNLTRPD[Ile673Phe]TFTYFQPKPR